The following is an entry in ClinVar:

NM_000368.5(TSC1):c.2391+2T>C

Gene: TSC1 (TSC complex subunit 1; minus strand). Cytogenetic location: 9q34.13.
Variant type: single nucleotide variant.
Coding change: c.2391+2T>C on transcript NM_000368.5 (MANE Select); the canonical splice donor site of the intron after coding-DNA position 2391, T replaced by C.
Molecular consequence: splice donor variant.
Genome position (GRCh38, 1-based): chr9:132,902,603, A>G on the plus strand (T>C on the coding strand, the complement: TSC1 is on the minus strand). VCF-style: chr9-132902603-A-G. GRCh37 (hg19) VCF-style: chr9-135777990-A-G.
Other names: c.2025+2T>C (NM_001406620.1, NM_001406625.1, NM_001406621.1 and 2 more transcripts); c.2028+2T>C (NM_001406618.1, NM_001406617.1, NM_001406619.1 and 5 more transcripts); c.2235+2T>C (NM_001406613.1, NM_001406612.1, NM_001406611.1); c.2238+2T>C (NM_001406610.1, NM_001162427.2); c.1437+2T>C (NM_001406627.1, NM_001406628.1); c.1338+2T>C (NM_001406629.1, NM_001406630.1); c.2373+2T>C (NM_001406603.1, NM_001406604.1); c.2388+2T>C (NM_001406609.1, NM_001406597.1, NM_001406600.1 and 4 more transcripts); and 3 more.
Identifiers: ClinVar variation 3329423 (VCV003329423.1).

ClinVar aggregate classification (germline): Uncertain significance (1 of 4 stars; one submission).

Conditions:
Hereditary cancer-predisposing syndrome. Also called: Neoplastic Syndromes, Hereditary; Tumor predisposition; Hereditary neoplastic syndrome; Hereditary Cancer Syndrome. Identifiers: Orphanet 140162, MedGen C0027672, MeSH D009386, MONDO:0015356.

Submission:

Ambry Genetics
Classification: Uncertain significance for Hereditary cancer-predisposing syndrome. Last evaluated: 2024-05-16. Review status: criteria provided, single submitter. Criteria: Ambry Variant Classification Scheme 2023. Collection method: clinical testing. Allele origin: germline.
Comment: The c.2391+2T>C intronic variant results from a T to C substitution two nucleotides after coding exon 16 in the TSC1 gene. This nucleotide position is highly conserved in available vertebrate species. In silico splice site analysis predicts that this alteration will weaken the native splice donor site. RNA studies have demonstrated that this alteration results in a transcript predicted to lead to a protein with an in-frame deletion of 61 amino acids; however, the exact functional impact of the deleted amino acids is unknown at this time (Ambry internal data). Alterations that disrupt the canonical splice site are expected to cause aberrant splicing, resulting in an abnormal protein or a transcript that is subject to nonsense-mediated mRNA decay; however, +2T>C alterations are capable of generating wild-type transcripts in some genomic contexts and should be interpreted with caution (Lin JH et al. Hum Mutat. 2019 10;40:1856-1873). Based on the available evidence, the clinical significance of this alteration remains unclear.